The following is an entry in ClinVar:

NM_002473.6(MYH9):c.4580A>G (p.Lys1527Arg)

Gene: MYH9 (myosin heavy chain 9; minus strand). Cytogenetic location: 22q12.3.
Variant type: single nucleotide variant.
Coding change: c.4580A>G on transcript NM_002473.6 (MANE Select); coding-DNA position 4580, A replaced by G.
Protein change: p.Lys1527Arg; replaces lysine 1527 with arginine.
Molecular consequence: missense variant.
Genome position (GRCh38, 1-based): chr22:36,288,917, T>C on the plus strand (A>G on the coding strand, the complement: MYH9 is on the minus strand). VCF-style: chr22-36288917-T-C. GRCh37 (hg19) VCF-style: chr22-36684963-T-C.
Other names: short protein forms K1527R.
Identifiers: ClinVar variation 3587945 (VCV003587945.3).
Genomic context (GRCh38, chr22:36,288,917, plus strand): 5'-TCGTCCTCCAGCTCTTCCAGCTGCGTCTTCATCTCCTCCACCTGCTGCTCTAGGGCCCGC[T>C]TGGACTTCTCCAGCTCGTGGACCTGAGCCCCAGAGAGCCCAAGTCAGGAGCAAAGGGACT-3'
Protein context (NP_002464.1, residues 1517-1537): GKSVHELEKS[Lys1527Arg]RALEQQVEEM

ClinVar aggregate classification (germline): Uncertain significance. Review status: criteria provided, multiple submitters, no conflicts (2 of 4 stars). 2 submissions from 2 submitters: Uncertain significance (2). Last evaluated 2026-01-18.

Conditions:
Macrothrombocytopenia and granulocyte inclusions with or without nephritis or sensorineural hearing loss (MATINS). Also called: SEBASTIAN PLATELET SYNDROME; MACROTHROMBOCYTOPENIA WITH DISPERSED LEUKOCYTIC INCLUSIONS; MACROTHROMBOCYTOPENIA, NEPHRITIS, AND DEAFNESS; MACROTHROMBOCYTOPENIA, NEPHRITIS, DEAFNESS, AND LEUKOCYTE INCLUSIONS; ALPORT SYNDROME WITH MACROTHROMBOCYTOPENIA; Fechtner syndrome. Identifiers: Orphanet 182050, MedGen C5200934, MONDO:0015912, OMIM 155100.
Autosomal dominant nonsyndromic hearing loss 17. Also called: Deafness, autosomal dominant 17; Autosomal dominant nonsyndromic deafness 17. Identifiers: Orphanet 90635, MedGen C1863659, MONDO:0011350, OMIM 603622.

gnomAD v4.1: 1 of 1,613,966 alleles (0.000062%); highest among the groups gnomAD compares: Non-Finnish European, 0.000085%; no homozygotes.

Submissions (2):

Labcorp Genetics (formerly Invitae), Labcorp
Classification: Uncertain significance. Last evaluated: 2026-01-18. Review status: criteria provided, single submitter. Criteria: Invitae Variant Classification Sherloc (09022015). Collection method: clinical testing. Allele origin: germline.
Comment: This sequence change replaces lysine, which is basic and polar, with arginine, which is basic and polar, at codon 1527 of the MYH9 protein (p.Lys1527Arg). This variant is not present in population databases (gnomAD no frequency). This variant has not been reported in the literature in individuals affected with MYH9-related conditions. ClinVar contains an entry for this variant (Variation ID: 3587945). Invitae Evidence Modeling of protein sequence and biophysical properties (such as structural, functional, and spatial information, amino acid conservation, physicochemical variation, residue mobility, and thermodynamic stability) indicates that this missense variant is not expected to disrupt MYH9 protein function with a negative predictive value of 95%. In summary, the available evidence is currently insufficient to determine the role of this variant in disease. Therefore, it has been classified as a Variant of Uncertain Significance.

Fulgent Genetics
Classification: Uncertain significance for Macrothrombocytopenia and granulocyte inclusions with or without nephritis or sensorineural hearing loss; Autosomal dominant nonsyndromic hearing loss 17. Last evaluated: 2024-04-24. Review status: criteria provided, single submitter. Criteria: ACMG Guidelines, 2015. Collection method: clinical testing. Allele origin: germline.